The following is an entry in ClinVar:

NM_015046.7(SETX):c.3904C>G (p.Arg1302Gly)

Gene: SETX (senataxin; minus strand). Cytogenetic location: 9q34.13.
Variant type: single nucleotide variant.
Coding change: c.3904C>G on transcript NM_015046.7 (MANE Select); coding-DNA position 3904, C replaced by G.
Protein change: p.Arg1302Gly; replaces arginine 1302 with glycine.
Molecular consequence: missense variant.
Genome position (GRCh38, 1-based): chr9:132,327,694, G>C on the plus strand (C>G on the coding strand, the complement: SETX is on the minus strand). VCF-style: chr9-132327694-G-C. GRCh37 (hg19) VCF-style: chr9-135203081-G-C.
Other names: c.3904C>G, p.Arg1302Gly (NM_001351527.2, NM_001351528.2); short protein forms R1302G.
Identifiers: ClinVar variation 3362105 (VCV003362105.1).

ClinVar aggregate classification (germline): Uncertain significance (1 of 4 stars; one submission).

Submission:

GeneDx
Classification: Uncertain significance. Last evaluated: 2023-05-31. Review status: criteria provided, single submitter. Criteria: GeneDx Variant Classification Process June 2021. Collection method: clinical testing. Allele origin: germline. Affected: yes.
Comment: Not observed at significant frequency in large population cohorts (gnomAD); In silico analysis supports that this missense variant does not alter protein structure/function; Has not been previously published as pathogenic or benign to our knowledge